The following is an entry in ClinVar:

NM_001127649.3(PEX26):c.*925A>G

Gene: PEX26 (peroxisomal biogenesis factor 26; plus strand). Cytogenetic location: 22q11.21.
Variant type: single nucleotide variant.
Coding change: c.*925A>G on transcript NM_001127649.3 (MANE Select); 925 bases downstream of the stop codon, A replaced by G.
Molecular consequence: 3 prime UTR variant.
Genome position (GRCh38, 1-based): chr22:18,089,000, A>G. VCF-style: chr22-18089000-A-G. GRCh37 (hg19) VCF-style: chr22-18571766-A-G.
Other names: c.*925A>G (NM_001199319.2, NM_017929.6).
Identifiers: ClinVar variation 340775 (VCV000340775.5), dbSNP rs115277831, ClinGen allele CA10645093.
Genomic context (GRCh38, chr22:18,089,000, plus strand): 5'-TCAGAACCACCGGGTTGACTACTGAAAACCAAGTGAGCCTTACAGCTCTTATCGCTGGGT[A>G]AAGTGATCTTGCCTGGTGCCTCTTGGTCTTCAGCTCAATTTTCCAGGTTGTCCTGGCCAA-3'

ClinVar aggregate classification (germline): Likely benign (1 of 4 stars; one submission).

Conditions:
Peroxisome biogenesis disorder 7A (Zellweger). Also called: Peroxisome biogenesis disorder 7A. Identifiers: Orphanet 912, MedGen C3888385, MONDO:0013938, OMIM 614872.

Allele frequency attached by ClinVar (database versions not stated): 1000 Genomes Project 0.00479; gnomAD 0.00492 and 0.00523; TOPMed 0.00549; 1000 Genomes Project 30x 0.00562.

Submission:

Illumina Laboratory Services, Illumina
Classification: Likely benign for Peroxisome biogenesis disorder 7A (Zellweger). Last evaluated: 2018-01-12. Review status: criteria provided, single submitter. Criteria: ICSL Variant Classification Criteria 13 December 2019. Collection method: clinical testing. Allele origin: germline.
Comment: This variant was observed in the ICSL laboratory as part of a predisposition screen in an ostensibly healthy population. It had not been previously curated by ICSL or reported in the Human Gene Mutation Database (HGMD: prior to June 1st, 2018), and was therefore a candidate for classification through an automated scoring system. Utilizing variant allele frequency, disease prevalence and penetrance estimates, and inheritance mode, an automated score was calculated to assess if this variant is too frequent to cause the disease. Based on the score and internal cut-off values, a variant classified as likely benign is not then subjected to further curation. The score for this variant resulted in a classification of likely benign for this disease.